The following is an entry in ClinVar:

NM_000053.4(ATP7B):c.314C>T (p.Ser105Leu)

Gene: ATP7B (ATPase copper transporting beta; minus strand). Cytogenetic location: 13q14.3.
Variant type: single nucleotide variant.
Coding change: c.314C>T on transcript NM_000053.4 (MANE Select); coding-DNA position 314, C replaced by T.
Protein change: p.Ser105Leu; replaces serine 105 with leucine.
Molecular consequence: missense variant.
Genome position (GRCh38, 1-based): chr13:51,974,906, G>A on the plus strand (C>T on the coding strand, the complement: ATP7B is on the minus strand). VCF-style: chr13-51974906-G-A. GRCh37 (hg19) VCF-style: chr13-52549042-G-A.
Other names: c.314C>T, p.Ser105Leu (NM_001005918.3, NM_001243182.2, NM_001330578.2 and 1 more transcripts); short protein forms S105L.
Identifiers: ClinVar variation 2146303 (VCV002146303.3), dbSNP rs753236073, ClinGen allele CA6989588.

ClinVar aggregate classification (germline): Uncertain significance. Review status: criteria provided, multiple submitters, no conflicts (2 of 4 stars). 3 submissions from 3 submitters: Uncertain significance (3). Last evaluated 2023-11-20.

Conditions:
Wilson disease (WND). Also called: Wilson's disease. Identifiers: Orphanet 905, MedGen C0019202, MONDO:0010200, OMIM 277900. Disease mechanism: loss of function.

Allele frequency attached by ClinVar (database versions not stated): TOPMed 0.00002; gnomAD 0.00003.
gnomAD v4.1: 28 of 1,614,088 alleles (0.0017%); highest among the groups gnomAD compares: Middle Eastern, 0.016%; no homozygotes.

Submissions (3):

All of Us Research Program, National Institutes of Health
Classification: Uncertain significance for Wilson disease. Last evaluated: 2023-11-20. Review status: criteria provided, single submitter. Criteria: ACMG Guidelines, 2015. Collection method: clinical testing. Allele origin: germline. Inheritance: Autosomal recessive inheritance. Observed: 5 variant alleles, 5 heterozygotes.
Comment: This missense variant replaces serine with leucine at codon 105 of the ATP7B protein. Computational prediction suggests that this variant may not impact protein structure and function (internally defined REVEL score threshold <= 0.5, PMID: 27666373). To our knowledge, functional studies have not been reported for this variant. This variant has not been reported in individuals affected with ATP7B-related disorders in the literature. This variant has been identified in 6/249422 chromosomes in the general population by the Genome Aggregation Database (gnomAD). The available evidence is insufficient to determine the role of this variant in disease conclusively. Therefore, this variant is classified as a Variant of Uncertain Significance.

This study involves interpretation of variants in research participants for the purpose of population health screening. Participant phenotype was not available at the time of variant classification. Additional details can be found in publication PMID: 35346344, PMCID: PMC8962531

Color Diagnostics, LLC DBA Color Health
Classification: Uncertain significance for Wilson disease. Last evaluated: 2023-02-08. Review status: criteria provided, single submitter. Criteria: ACMG Guidelines, 2015. Collection method: clinical testing. Allele origin: germline.
Comment: This missense variant replaces serine with leucine at codon 105 of the ATP7B protein. Computational prediction suggests that this variant may not impact protein structure and function. To our knowledge, functional studies have not been reported for this variant. This variant has not been reported in individuals affected with ATP7B-related disorders in the literature. This variant has been identified in 6/249422 chromosomes in the general population by the Genome Aggregation Database (gnomAD). The available evidence is insufficient to determine the role of this variant in disease conclusively. Therefore, this variant is classified as a Variant of Uncertain Significance.

Labcorp Genetics (formerly Invitae), Labcorp
Classification: Uncertain significance for Wilson disease. Last evaluated: 2022-06-30. Review status: criteria provided, single submitter. Criteria: Invitae Variant Classification Sherloc (09022015). Collection method: clinical testing. Allele origin: germline.
Comment: This sequence change replaces serine, which is neutral and polar, with leucine, which is neutral and non-polar, at codon 105 of the ATP7B protein (p.Ser105Leu). This variant is present in population databases (rs753236073, gnomAD 0.01%). This variant has not been reported in the literature in individuals affected with ATP7B-related conditions. ClinVar contains an entry for this variant (Variation ID: 807945). Advanced modeling of protein sequence and biophysical properties (such as structural, functional, and spatial information, amino acid conservation, physicochemical variation, residue mobility, and thermodynamic stability) performed at Invitae indicates that this missense variant is not expected to disrupt ATP7B protein function. In summary, the available evidence is currently insufficient to determine the role of this variant in disease. Therefore, it has been classified as a Variant of Uncertain Significance.